The following is an entry in ClinVar:

ClinVar aggregate classification (germline): Uncertain significance. Review status: criteria provided, multiple submitters, no conflicts (2 of 4 stars). 2 submissions from 2 submitters: Uncertain significance (2). Last evaluated 2025-04-22.

Conditions:
Hereditary cancer-predisposing syndrome. Also called: Tumor predisposition; Hereditary Cancer Syndrome; Hereditary neoplastic syndrome; Neoplastic Syndromes, Hereditary. Identifiers: Orphanet 140162, MedGen C0027672, MeSH D009386, MONDO:0015356.
Gastrointestinal stromal tumor. Also called: Gastrointestinal stroma tumor; Gastrointestinal stromal tumor, somatic. Identifiers: Orphanet 44890, MedGen C0238198, MeSH D046152, MONDO:0011719, OMIM 606764, HP:0100723.

Submissions (2):

Ambry Genetics
Classification: Uncertain significance for Hereditary cancer-predisposing syndrome. Last evaluated: 2025-04-22. Review status: criteria provided, single submitter. Criteria: Ambry Variant Classification Scheme 2023. Collection method: clinical testing. Allele origin: germline.
Comment: The c.1774+3C>A intronic variant results from a C to A substitution 3 nucleotides after coding exon 11 in the KIT gene. This nucleotide position is not well conserved in available vertebrate species. In silico splice site analysis predicts that this alteration will not have any significant effect on splicing. Based on the available evidence, the clinical significance of this variant remains unclear.

Labcorp Genetics (formerly Invitae), Labcorp
Classification: Uncertain significance for Gastrointestinal stromal tumor. Last evaluated: 2024-04-25. Review status: criteria provided, single submitter. Criteria: Invitae Variant Classification Sherloc (09022015). Collection method: clinical testing. Allele origin: germline.
Comment: This sequence change falls in intron 11 of the KIT gene. It does not directly change the encoded amino acid sequence of the KIT protein. It affects a nucleotide within the consensus splice site. This variant is not present in population databases (gnomAD no frequency). This variant has not been reported in the literature in individuals affected with KIT-related conditions. ClinVar contains an entry for this variant (Variation ID: 1992704). Variants that disrupt the consensus splice site are a relatively common cause of aberrant splicing (PMID: 17576681, 9536098). Algorithms developed to predict the effect of sequence changes on RNA splicing suggest that this variant is not likely to affect RNA splicing. In summary, the available evidence is currently insufficient to determine the role of this variant in disease. Therefore, it has been classified as a Variant of Uncertain Significance.

Literature cited by the submitters: PubMed 17576681 (cited by Labcorp Genetics (formerly Invitae), Labcorp); PubMed 9536098 (cited by Labcorp Genetics (formerly Invitae), Labcorp).

NM_000222.3(KIT):c.1774+3C>A

Gene: KIT (KIT proto-oncogene, receptor tyrosine kinase; plus strand). Cytogenetic location: 4q12.
Variant type: single nucleotide variant.
Coding change: c.1774+3C>A on transcript NM_000222.3 (MANE Select); 3 bases into the intron after coding-DNA position 1774, C replaced by A.
Molecular consequence: intron variant.
Genome position (GRCh38, 1-based): chr4:54,727,545, C>A. VCF-style: chr4-54727545-C-A. GRCh37 (hg19) VCF-style: chr4-55593711-C-A.
Other names: c.1777+3C>A (NM_001385284.1, NM_001385290.1); c.1765+3C>A (NM_001385288.1, NM_001385292.1); c.1774+3C>A (NM_001385285.1, NM_000222.2); c.1762+3C>A (NM_001093772.2, NM_001385286.1).
Identifiers: ClinVar variation 1992704 (VCV001992704.5), dbSNP rs2109777587, ClinGen allele CA2580071165.